The following is an entry in ClinVar:

ClinVar aggregate classification (germline): Uncertain significance (1 of 4 stars; one submission).

Allele frequency attached by ClinVar (database versions not stated): gnomAD exomes below 0.00001; ExAC 0.00002; TOPMed 0.00002; gnomAD 0.00003; 1000 Genomes Project 30x 0.00031; 1000 Genomes Project 0.00040.
gnomAD v4.1: 8 of 1,614,192 alleles (0.0005%); highest among the groups gnomAD compares: East Asian, 0.0089%; no homozygotes.

Submission:

Labcorp Genetics (formerly Invitae), Labcorp
Classification: Uncertain significance. Last evaluated: 2023-12-13. Review status: criteria provided, single submitter. Criteria: Invitae Variant Classification Sherloc (09022015). Collection method: clinical testing. Allele origin: germline.
Comment: This sequence change replaces glycine, which is neutral and non-polar, with aspartic acid, which is acidic and polar, at codon 64 of the SIAE protein (p.Gly64Asp). This variant is present in population databases (rs536665093, gnomAD 0.01%). This variant has not been reported in the literature in individuals affected with SIAE-related conditions. ClinVar contains an entry for this variant (Variation ID: 1941754). Algorithms developed to predict the effect of missense changes on protein structure and function output the following: SIFT: "Not Available"; PolyPhen-2: "Benign"; Align-GVGD: "Not Available". The aspartic acid amino acid residue is found in multiple mammalian species, which suggests that this missense change does not adversely affect protein function. In summary, the available evidence is currently insufficient to determine the role of this variant in disease. Therefore, it has been classified as a Variant of Uncertain Significance.

NM_170601.5(SIAE):c.191G>A (p.Gly64Asp)

Gene: SIAE (sialic acid acetylesterase; minus strand). Cytogenetic location: 11q24.2.
Variant type: single nucleotide variant.
Coding change: c.191G>A on transcript NM_170601.5 (MANE Select); coding-DNA position 191, G replaced by A.
Protein change: p.Gly64Asp; replaces glycine 64 with aspartic acid.
Molecular consequence: missense variant.
Genome position (GRCh38, 1-based): chr11:124,669,398, C>T on the plus strand (G>A on the coding strand, the complement: SIAE is on the minus strand). VCF-style: chr11-124669398-C-T. GRCh37 (hg19) VCF-style: chr11-124539294-C-T.
Other names: c.86G>A, p.Gly29Asp (NM_001199922.2); short protein forms G29D, G64D.
Identifiers: ClinVar variation 1941754 (VCV001941754.5), dbSNP rs536665093, ClinGen allele CA6341636.
Genomic context (GRCh38, chr11:124,669,398, plus strand): 5'-AACGGAAGATGGGCTGCCTTACCTTTCACACTGGTCACTTTCTTCATGATGGTTTCCTGA[C>T]CTTGGCGCAGGGTCACGGTCACTGTGGCTCCAGGTGTACCGAAGCCCCATATCACTGCCC-3'
Protein context (NP_733746.1, residues 54-74): GATVTVTLRQ[Gly64Asp]QETIMKKVTS